The following is an entry in ClinVar:

ClinVar aggregate classification (germline): Uncertain significance (1 of 4 stars; one submission).

Conditions:
Cardiovascular phenotype. Identifiers: MedGen CN230736.

Submission:

Ambry Genetics
Classification: Uncertain significance for Cardiovascular phenotype. Last evaluated: 2022-09-01. Review status: criteria provided, single submitter. Criteria: Ambry Variant Classification Scheme 2023. Collection method: clinical testing. Allele origin: germline.
Comment: The c.1285_1289delCTTTA variant, located in coding exon 7 of the GLA gene, results from a deletion of 5 nucleotides at nucleotide positions 1285 to 1289, causing a translational frameshift with a predicted alternate stop codon (p.L429Kfs*?). This alteration occurs at the 3' terminus of theGLA gene, is not expected to trigger nonsense-mediated mRNAdecay and results in the elongation of the protein. This frameshift impacts the lastamino acid of the native protein. The exact functional effect of the altered amino acids is unknown. Since supporting evidence is limited at this time, the clinical significance of this alteration remains unclear.

Literature cited by the submitters: PubMed 31449323; PubMed 33204599.

NM_000169.3(GLA):c.1285_1289del (p.Leu429fs)

Genes: GLA (galactosidase alpha; minus strand), RPL36A-HNRNPH2 (RPL36A-HNRNPH2 readthrough; plus strand). Cytogenetic location: Xq22.1.
Variant type: Deletion.
Coding change: c.1285_1289del on transcript NM_000169.3 (MANE Select); coding-DNA positions 1285 to 1289, 5 bases deleted (CTTTA; older notation c.1285_1289delCTTTA).
Protein change: p.Leu429fs; shifts the reading frame from leucine 429.
Molecular consequence: frameshift variant. On other transcripts: non-coding transcript variant (3), intron variant (2).
Genome position (GRCh38, 1-based): chrX:101,397,810-101,397,814, TAAAG deleted on the plus strand (CTTTA on the coding strand, the reverse complement: GLA is on the minus strand); deleting any 5 consecutive bases within chrX:101,397,810-101,397,817 gives the same sequence; the c. name uses the placement nearest the transcript's 3' end. VCF-style (leftmost placement, unchanged base first): chrX-101397809-TTAAAG-T. GRCh37 (hg19) VCF-style: chrX-100652797-TTAAAG-T.
Other names: c.1285_1289delCTTTA (NM_000169.2); c.1408_1412del, p.Leu470fs (NM_001406747.1); c.300+2356_300+2360del (NM_001199973.2); c.177+5991_177+5995del (NM_001199974.2); short protein forms L429fs, L470fs.
Identifiers: ClinVar variation 1768801 (VCV001768801.2), dbSNP rs2520847400, ClinGen allele CA2580100074.